The following is an entry in ClinVar:

ClinVar aggregate classification (germline): Uncertain significance (1 of 4 stars; one submission).

gnomAD v4.1: 30 of 1,613,064 alleles (0.0019%); highest among the groups gnomAD compares: African/African-American, 0.032%; no homozygotes.

Submission:

Labcorp Genetics (formerly Invitae), Labcorp
Classification: Uncertain significance. Last evaluated: 2024-02-07. Review status: criteria provided, single submitter. Criteria: Invitae Variant Classification Sherloc (09022015). Collection method: clinical testing. Allele origin: germline.
Comment: This sequence change affects codon 333 of the FOCAD mRNA. It is a 'silent' change, meaning that it does not change the encoded amino acid sequence of the FOCAD protein. This variant is present in population databases (rs150907480, gnomAD 0.04%). This variant has not been reported in the literature in individuals affected with FOCAD-related conditions. Experimental studies and prediction algorithms are not available or were not evaluated, and the effect of this variant on mRNA splicing is currently unknown. In summary, the available evidence is currently insufficient to determine the role of this variant in disease. Therefore, it has been classified as a Variant of Uncertain Significance.

NM_001375567.1(FOCAD):c.999G>A (p.Leu333=)

Gene: FOCAD (focadhesin; plus strand). Cytogenetic location: 9p21.3.
Variant type: single nucleotide variant.
Coding change: c.999G>A on transcript NM_001375567.1 (MANE Select); coding-DNA position 999, G replaced by A.
Protein change: p.Leu333=; no amino-acid change (leucine 333 retained).
Molecular consequence: synonymous variant.
Genome position (GRCh38, 1-based): chr9:20,781,731, G>A. VCF-style: chr9-20781731-G-A. GRCh37 (hg19) VCF-style: chr9-20781730-G-A.
Other names: c.999G>A, p.Leu333= (NM_001375568.1, NM_017794.5); c.894G>A, p.Leu298= (NM_001375570.1).
Identifiers: ClinVar variation 3671410 (VCV003671410.2).